The following is an entry in ClinVar:

ClinVar aggregate classification (germline): Pathogenic. Review status: reviewed by expert panel (3 of 4 stars). 2 submissions from 2 submitters: Pathogenic (1). 1 of the submissions does not count toward it. Last evaluated 2017-12-15.

Conditions:
Familial cancer of breast. Also called: hereditary breast carcinoma; BREAST CANCER, FAMILIAL; Hereditary breast cancer. Identifiers: Orphanet 227535, MedGen C0346153, MONDO:0016419, OMIM 114480. Disease mechanism: loss of function.
Breast-ovarian cancer, familial, susceptibility to, 1 (BROVCA1). Also called: BRCA1 Hereditary Breast and Ovarian Cancer; OVARIAN CANCER, SUSCEPTIBILITY TO. Identifiers: Orphanet 145, MedGen C2676676, MONDO:0011450, OMIM 604370. Disease mechanism: loss of function.

Submissions (2):

Evidence-based Network for the Interpretation of Germline Mutant Alleles (ENIGMA)
Classification: Pathogenic for Breast-ovarian cancer, familial, susceptibility to, 1. Last evaluated: 2017-12-15. Review status: reviewed by expert panel. Criteria: ENIGMA BRCA1/2 Classification Criteria (2017-06-29). Collection method: curation. Allele origin: germline. Study: ENIGMA.
Comment: Variant allele predicted to encode a truncated non-functional protein.

ClinVar Staff, National Center for Biotechnology Information (NCBI)
No classification provided. Condition: Familial cancer of breast. Review status: no classification provided. Collection method: literature only. Allele origin: germline. Affected: yes. Not counted in ClinVar's aggregate classification.

Literature cited by the submitters: PubMed 8956054 (cited by ClinVar Staff, National Center for Biotechnology Information (NCBI)).

NM_007294.4(BRCA1):c.4282_4283del (p.Ser1428fs)

Gene: BRCA1 (BRCA1 DNA repair associated; minus strand). Cytogenetic location: 17q21.31.
Variant type: Deletion.
Coding change: c.4282_4283del on transcript NM_007294.4 (MANE Select); coding-DNA positions 4282 to 4283, 2 bases deleted (AG; older notation c.4282_4283delAG).
Protein change: p.Ser1428fs; shifts the reading frame from serine 1428.
Molecular consequence: frameshift variant. On other transcripts: non-coding transcript variant (1).
Genome position (GRCh38, 1-based): chr17:43,082,478-43,082,479, CT deleted on the plus strand (AG on the coding strand, the reverse complement: BRCA1 is on the minus strand). VCF-style (leftmost placement, unchanged base first): chr17-43082477-GCT-G. GRCh37 (hg19) VCF-style: chr17-41234494-GCT-G.
Other names: c.832_833delAG, p.Ser278Leufs (NM_001408453.1, NM_001408454.1, NM_001408455.1 and 8 more transcripts); c.829_830delAG, p.Ser277Leufs (NM_001408462.1, NM_001408463.1, NM_001408464.1 and 5 more transcripts); c.826_827delAG, p.Ser276Leufs (NM_001408470.1); c.970_971delAG, p.Ser324Leufs (NM_001408472.1, NM_001408473.1, NM_001407972.1 and 18 more transcripts); c.772_773delAG, p.Ser258Leufs (NM_001408474.1, NM_001408476.1); c.769_770delAG, p.Ser257Leufs (NM_001408475.1); c.763_764delAG, p.Ser255Leufs (NM_001408478.1, NM_001408479.1, NM_001408480.1 and 6 more transcripts); c.760_761delAG, p.Ser254Leufs (NM_001408489.1, NM_001408490.1, NM_001408491.1 and 3 more transcripts); and 54 more; short protein forms S1428fs, S325fs, S1381fs.
Identifiers: ClinVar variation 55160 (VCV000055160.2), dbSNP rs397509159, ClinGen allele CA002747.